The following is an entry in ClinVar:

NM_001164465.3(GOLGA6L10):c.870G>A (p.Glu290=)

Gene: GOLGA6L10 (golgin A6 family like 10; minus strand). Cytogenetic location: 15q25.2.
Variant type: single nucleotide variant.
Coding change: c.870G>A on transcript NM_001164465.3 (MANE Select); coding-DNA position 870, G replaced by A.
Protein change: p.Glu290=; no amino-acid change (glutamic acid 290 retained).
Molecular consequence: synonymous variant.
Genome position (GRCh38, 1-based): chr15:82,344,990, C>T on the plus strand (G>A on the coding strand, the complement: GOLGA6L10 is on the minus strand). VCF-style: chr15-82344990-C-T. GRCh37 (hg19) VCF-style: chr15-82637243-C-T.
Identifiers: ClinVar variation 5040188 (VCV005040188.1).

ClinVar aggregate classification (germline): Likely benign (1 of 4 stars; one submission).

Submission:

CeGaT Center for Human Genetics Tuebingen
Classification: Likely benign. Last evaluated: 2026-07-01. Review status: criteria provided, single submitter. Criteria: CeGaT Center For Human Genetics Tuebingen Variant Classification Criteria Version 2. Collection method: clinical testing. Allele origin: germline. Affected: yes. Observed: 1 variant allele.
Comment: GOLGA6L10: PM2:Supporting, BP4, BP7